The following is an entry in ClinVar:

ClinVar aggregate classification (germline): Conflicting classifications of pathogenicity. Review status: criteria provided, conflicting classifications (1 of 4 stars). 2 submissions from 2 submitters: Uncertain significance (1); Likely benign (1). Last evaluated 2025-06-29.

Conditions:
Dyskeratosis congenita. Identifiers: Orphanet 1775, MedGen C0265965, MONDO:0015780.

Allele frequency attached by ClinVar (database versions not stated): gnomAD exomes 0.00001; ExAC 0.00002; TOPMed 0.00003; gnomAD 0.00005 and 0.00006; ESP Exome Variant Server 0.00009.
gnomAD v4.1: 14 of 1,209,836 alleles (0.0012%); highest among the groups gnomAD compares: Non-Finnish European, 0.0016%; no homozygotes.

Submissions (2):

Labcorp Genetics (formerly Invitae), Labcorp
Classification: Likely benign for Dyskeratosis congenita. Last evaluated: 2025-06-29. Review status: criteria provided, single submitter. Criteria: Invitae Variant Classification Sherloc (09022015). Collection method: clinical testing. Allele origin: germline.

Sema4
Classification: Uncertain significance for Dyskeratosis congenita. Last evaluated: 2022-03-18. Review status: criteria provided, single submitter. Criteria: Sema4 Curation Guidelines. Collection method: curation. Allele origin: germline.
Comment: The DKC1 c.1167G>A (p.K389=) variant has not been reported in the literature to our knowledge. It was observed in 3/92495 chromosomes of the European (non-Finnish) subpopulation, in the large and broad cohorts of the Genome Aggregation Database (PMID: 32461654). This variant has been reported in ClinVar (Variation ID 697116). The nucleotide is moderately conserved and in silico tools that predict the effect of sequence changes on splicing suggest that this variant may not impact splicing, though these predictions have not been confirmed by functional studies. The evidence is insufficient to meet ACMG/AMP criteria for classifying the variant as benign or pathogenic. Thus, the clinical significance of this variant is currently uncertain.

NM_001363.5(DKC1):c.1167G>A (p.Lys389=)

Gene: DKC1 (dyskerin pseudouridine synthase 1; plus strand). Cytogenetic location: Xq28.
Variant type: single nucleotide variant.
Coding change: c.1167G>A on transcript NM_001363.5 (MANE Select); coding-DNA position 1167, G replaced by A.
Protein change: p.Lys389=; no amino-acid change (lysine 389 retained).
Molecular consequence: synonymous variant. On other transcripts: non-coding transcript variant (3).
Genome position (GRCh38, 1-based): chrX:154,774,613, G>A. VCF-style: chrX-154774613-G-A. GRCh37 (hg19) VCF-style: chrX-154002888-G-A.
Other names: c.1167G>A, p.Lys389= (NM_001142463.3, NM_001288747.2).
Identifiers: ClinVar variation 697116 (VCV000697116.10), dbSNP rs369066088, ClinGen allele CA10567181.